The following is an entry in ClinVar:

ClinVar aggregate classification (germline): Uncertain significance (1 of 4 stars; one submission).

Conditions:
Hereditary cancer-predisposing syndrome. Also called: Neoplastic Syndromes, Hereditary; Tumor predisposition; Hereditary neoplastic syndrome; Hereditary Cancer Syndrome. Identifiers: Orphanet 140162, MedGen C0027672, MeSH D009386, MONDO:0015356.

Submission:

Ambry Genetics
Classification: Uncertain significance for Hereditary cancer-predisposing syndrome. Last evaluated: 2026-07-13. Review status: criteria provided, single submitter. Criteria: Ambry Variant Classification Scheme 2023. Collection method: clinical testing. Allele origin: germline.
Comment: The p.A1362V variant (also known as c.4085C>T), located in coding exon 21 of the BLM gene, results from a C to T substitution at nucleotide position 4085. The alanine at codon 1362 is replaced by valine, an amino acid with similar properties. This amino acid position is conserved. In addition, this alteration is predicted to be tolerated by in silico analysis. Based on the available evidence, the clinical significance of this variant remains unclear.

NM_000057.4(BLM):c.4085C>T (p.Ala1362Val)

Gene: BLM (BLM RecQ like helicase; plus strand). Cytogenetic location: 15q26.1.
Variant type: single nucleotide variant.
Coding change: c.4085C>T on transcript NM_000057.4 (MANE Select); coding-DNA position 4085, C replaced by T.
Protein change: p.Ala1362Val; replaces alanine 1362 with valine.
Molecular consequence: missense variant.
Genome position (GRCh38, 1-based): chr15:90,815,110, C>T. VCF-style: chr15-90815110-C-T. GRCh37 (hg19) VCF-style: chr15-91358340-C-T.
Other names: c.4085C>T, p.Ala1362Val (NM_001287246.2); c.3692C>T, p.Ala1231Val (NM_001287247.2); c.2960C>T, p.Ala987Val (NM_001287248.2); short protein forms A987V, A1362V, A1231V.
Identifiers: ClinVar variation 5032905 (VCV005032905.1).
Genomic context (GRCh38, chr15:90,815,110, plus strand): 5'-TTCATTTTTGGTTTCATTTAACATTTTGATTTTTTTCTTTGTCACATTTCAGGGGGTCTG[C>T]CACATGTAGAAAGATATCTTCCAAAACGAAATCCTCCAGCATCATTGGATCCAGTTCAGC-3'
Protein context (NP_000048.1, residues 1352-1372): SSGSKAKGGS[Ala1362Val]TCRKISSKTK